The following is an entry in ClinVar:

NM_001384732.1(CPLANE1):c.7079C>T (p.Pro2360Leu)

Gene: CPLANE1 (ciliogenesis and planar polarity effector complex subunit 1; minus strand). Cytogenetic location: 5p13.2.
Variant type: single nucleotide variant.
Coding change: c.7079C>T on transcript NM_001384732.1 (MANE Select); coding-DNA position 7079, C replaced by T.
Protein change: p.Pro2360Leu; replaces proline 2360 with leucine.
Molecular consequence: missense variant.
Genome position (GRCh38, 1-based): chr5:37,168,945, G>A on the plus strand (C>T on the coding strand, the complement: CPLANE1 is on the minus strand). VCF-style: chr5-37168945-G-A. GRCh37 (hg19) VCF-style: chr5-37169047-G-A.
Other names: c.7079C>T, p.Pro2360Leu (NM_023073.4); short protein forms P2360L.
Identifiers: ClinVar variation 1418441 (VCV001418441.11), dbSNP rs779569678, ClinGen allele CA3238143.

ClinVar aggregate classification (germline): Uncertain significance. Review status: criteria provided, multiple submitters, no conflicts (2 of 4 stars). 4 submissions from 4 submitters: Uncertain significance (4). Last evaluated 2025-10-01.

Conditions:
Joubert syndrome 17 (JBTS17). Identifiers: Orphanet 475, MedGen C3553264, MONDO:0013824, OMIM 614615.
Orofaciodigital syndrome type 6 (OFD6). Also called: OROFACIODIGITAL SYNDROME VI; OFDS VI; POLYDACTYLY, CLEFT LIP/PALATE OR LINGUAL LUMP, AND PSYCHOMOTOR RETARDATION; VARADI SYNDROME; VARADI-PAPP SYNDROME; Oral-facial-digital syndrome type 6. Identifiers: Orphanet 2754, MedGen C2745997, MONDO:0010176, OMIM 277170.

Allele frequency attached by ClinVar (database versions not stated): ExAC 0.00002; gnomAD exomes 0.00002.
gnomAD v4.1: 85 of 1,614,026 alleles (0.0053%); highest among the groups gnomAD compares: Non-Finnish European, 0.0064%; no homozygotes.

Submissions (4):

Women's Health and Genetics/Laboratory Corporation of America, LabCorp
Classification: Uncertain significance. Last evaluated: 2025-10-01. Review status: criteria provided, single submitter. Criteria: LabCorp Variant Classification Summary - May 2015. Collection method: clinical testing. Allele origin: germline.
Comment: Variant summary: CPLANE1 c.7079C>T (p.Pro2360Leu) results in a non-conservative amino acid change in the encoded protein sequence. Algorithms developed to predict the effect of missense changes on protein structure and function all suggest that this variant is likely to be disruptive. The variant allele was found at a frequency of 2.8e-05 in 282830 control chromosomes. The available data on variant occurrences in the general population are insufficient to allow any conclusion about variant significance. c.7079C>T has been observed in individual(s) affected with Retinal degeneration (Zampaglione_2020) without evidence for causality. These report(s) do not provide unequivocal conclusions about association of the variant with Joubert Syndrome And Related Disorders. To our knowledge, no experimental evidence demonstrating an impact on protein function has been reported. The following publication have been ascertained in the context of this evaluation (PMID: 32037395). ClinVar contains an entry for this variant (Variation ID: 1418441). Based on the evidence outlined above, the variant was classified as uncertain significance.

Labcorp Genetics (formerly Invitae), Labcorp
Classification: Uncertain significance. Last evaluated: 2024-11-05. Review status: criteria provided, single submitter. Criteria: Invitae Variant Classification Sherloc (09022015). Collection method: clinical testing. Allele origin: germline.
Comment: This sequence change replaces proline, which is neutral and non-polar, with leucine, which is neutral and non-polar, at codon 2360 of the CPLANE1 protein (p.Pro2360Leu). This variant is present in population databases (rs779569678, gnomAD 0.004%). This missense change has been observed in individual(s) with CPLANE1-related conditions (PMID: 32037395). ClinVar contains an entry for this variant (Variation ID: 1418441). Invitae Evidence Modeling of protein sequence and biophysical properties (such as structural, functional, and spatial information, amino acid conservation, physicochemical variation, residue mobility, and thermodynamic stability) has been performed for this missense variant. However, the output from this modeling did not meet the statistical confidence thresholds required to predict the impact of this variant on CPLANE1 protein function. In summary, the available evidence is currently insufficient to determine the role of this variant in disease. Therefore, it has been classified as a Variant of Uncertain Significance.

Fulgent Genetics
Classification: Uncertain significance for Orofaciodigital syndrome type 6; Joubert syndrome 17. Last evaluated: 2024-03-08. Review status: criteria provided, single submitter. Criteria: ACMG Guidelines, 2015. Collection method: clinical testing. Allele origin: germline.

Blueprint Genetics
Classification: Uncertain significance. Last evaluated: 2022-01-31. Review status: criteria provided, single submitter. Criteria: ACMG Guidelines, 2015. Collection method: clinical testing. Allele origin: germline.

Literature cited by the submitters: PubMed 32037395 (cited by Women's Health and Genetics/Laboratory Corporation of America, LabCorp and Labcorp Genetics (formerly Invitae), Labcorp).